The following is an entry in ClinVar:

ClinVar aggregate classification (germline): Likely benign. Review status: criteria provided, multiple submitters, no conflicts (2 of 4 stars). 7 submissions from 7 submitters: Likely benign (7). Last evaluated 2026-02-04.

Conditions:
Cardiovascular phenotype. Identifiers: MedGen CN230736.
Ehlers-Danlos syndrome (EDS). Identifiers: Orphanet 98249, MedGen C0013720, MONDO:0020066.

Allele frequency attached by ClinVar (database versions not stated): TOPMed 0.00017; 1000 Genomes Project 0.00020; gnomAD 0.00021 and 0.00022; ESP Exome Variant Server 0.00025; 1000 Genomes Project 30x 0.00031; gnomAD exomes 0.00044; ExAC 0.00052.
gnomAD v4.1: 407 of 1,605,678 alleles (0.025%); highest among the groups gnomAD compares: Middle Eastern, 0.59%; 4 homozygotes.

Submissions (7):

Labcorp Genetics (formerly Invitae), Labcorp
Classification: Likely benign. Last evaluated: 2026-02-04. Review status: criteria provided, single submitter. Criteria: Invitae Variant Classification Sherloc (09022015). Collection method: clinical testing. Allele origin: germline.

Ambry Genetics
Classification: Likely benign for Cardiovascular phenotype. Last evaluated: 2025-04-29. Review status: criteria provided, single submitter. Criteria: Ambry Variant Classification Scheme 2023. Collection method: clinical testing. Allele origin: germline.

Mayo Clinic Laboratories, Mayo Clinic
Classification: Likely benign. Last evaluated: 2025-02-11. Review status: criteria provided, single submitter. Criteria: ACMG Guidelines, 2015. Collection method: clinical testing. Allele origin: germline. Observed: 1 variant allele.
Comment: BS1, BP4

Blueprint Genetics
Classification: Likely benign. Last evaluated: 2024-09-20. Review status: criteria provided, single submitter. Criteria: ACMG Guidelines, 2015. Collection method: clinical testing. Allele origin: germline.

Genome Diagnostics Laboratory, The Hospital for Sick Children
Classification: Likely benign for Ehlers-Danlos syndrome. Last evaluated: 2022-03-01. Review status: criteria provided, single submitter. Criteria: ACMG Guidelines, 2015. Collection method: clinical testing. Allele origin: germline.

CeGaT Center for Human Genetics Tuebingen
Classification: Likely benign. Last evaluated: 2021-03-01. Review status: criteria provided, single submitter. Criteria: CeGaT Center For Human Genetics Tuebingen Variant Classification Criteria Version 2. Collection method: clinical testing. Allele origin: germline. Affected: yes. Observed: 1 variant allele.

GeneDx
Classification: Likely benign. Last evaluated: 2020-08-28. Review status: criteria provided, single submitter. Criteria: GeneDx Variant Classification Process June 2021. Collection method: clinical testing. Allele origin: germline. Affected: yes.

NM_001365276.2(TNXB):c.2366G>A (p.Gly789Glu)

Gene: TNXB (tenascin XB; minus strand). Cytogenetic location: 6p21.33.
Variant type: single nucleotide variant.
Coding change: c.2366G>A on transcript NM_001365276.2 (MANE Select); coding-DNA position 2366, G replaced by A.
Protein change: p.Gly789Glu; replaces glycine 789 with glutamic acid.
Molecular consequence: missense variant.
Genome position (GRCh38, 1-based): chr6:32,089,372, C>T on the plus strand (G>A on the coding strand, the complement: TNXB is on the minus strand). VCF-style: chr6-32089372-C-T. GRCh37 (hg19) VCF-style: chr6-32057149-C-T.
Other names: p.Gly789Glu; c.2366G>A, p.Gly789Glu (NM_019105.8); short protein forms G789E.
Identifiers: ClinVar variation 1176198 (VCV001176198.46), dbSNP rs367834992, ClinGen allele CA3735497.